The following is an entry in ClinVar:

NM_012193.4(FZD4):c.1249C>T (p.Arg417Trp)

Genes: FZD4 (frizzled class receptor 4; minus strand), PRSS23 (serine protease 23; plus strand). Cytogenetic location: 11q14.2.
Variant type: single nucleotide variant.
Coding change: c.1249C>T on transcript NM_012193.4 (MANE Select); coding-DNA position 1249, C replaced by T.
Protein change: p.Arg417Trp; replaces arginine 417 with tryptophan.
Molecular consequence: missense variant. On other transcripts: non-coding transcript variant (2).
Genome position (GRCh38, 1-based): chr11:86,951,507, G>A on the plus strand (C>T on the coding strand, the complement: FZD4 is on the minus strand). VCF-style: chr11-86951507-G-A. GRCh37 (hg19) VCF-style: chr11-86662549-G-A.
Other names: short protein forms R417W.
Identifiers: ClinVar variation 1962165 (VCV001962165.6), dbSNP rs776026462, ClinGen allele CA6218353.

ClinVar aggregate classification (germline): Uncertain significance. Review status: criteria provided, multiple submitters, no conflicts (2 of 4 stars). 2 submissions from 2 submitters: Uncertain significance (2). Last evaluated 2025-01-25.

Allele frequency attached by ClinVar (database versions not stated): ExAC 0.00001; gnomAD 0.00002; TOPMed 0.00002.
gnomAD v4.1: 15 of 1,613,980 alleles (0.00093%); highest among the groups gnomAD compares: African/African-American, 0.0053%; no homozygotes.

Submissions (2):

Labcorp Genetics (formerly Invitae), Labcorp
Classification: Uncertain significance. Last evaluated: 2025-01-25. Review status: criteria provided, single submitter. Criteria: Invitae Variant Classification Sherloc (09022015). Collection method: clinical testing. Allele origin: germline.
Comment: This sequence change replaces arginine, which is basic and polar, with tryptophan, which is neutral and slightly polar, at codon 417 of the FZD4 protein (p.Arg417Trp). This variant is present in population databases (rs776026462, gnomAD 0.008%). This missense change has been observed in individual(s) with familial exudative vitreoretinopathy (PMID: 38280677). ClinVar contains an entry for this variant (Variation ID: 1962165). Invitae Evidence Modeling of protein sequence and biophysical properties (such as structural, functional, and spatial information, amino acid conservation, physicochemical variation, residue mobility, and thermodynamic stability) indicates that this missense variant is not expected to disrupt FZD4 protein function with a negative predictive value of 80%. This variant disrupts the p.Arg417 amino acid residue in FZD4. Other variant(s) that disrupt this residue have been determined to be pathogenic (PMID: 14507768). This suggests that this residue is clinically significant, and that variants that disrupt this residue are likely to be disease-causing. In summary, the available evidence is currently insufficient to determine the role of this variant in disease. Therefore, it has been classified as a Variant of Uncertain Significance.

Blueprint Genetics
Classification: Uncertain significance. Last evaluated: 2020-05-08. Review status: criteria provided, single submitter. Criteria: ACMG Guidelines, 2015. Collection method: clinical testing. Allele origin: germline.

Literature cited by the submitters: PubMed 38280677 (cited by Labcorp Genetics (formerly Invitae), Labcorp); PubMed 14507768 (cited by Labcorp Genetics (formerly Invitae), Labcorp).